The following is an entry in ClinVar:

NM_002087.4(GRN):c.878G>A (p.Gly293Asp)

Gene: GRN (granulin precursor; plus strand). Cytogenetic location: 17q21.31.
Variant type: single nucleotide variant.
Coding change: c.878G>A on transcript NM_002087.4 (MANE Select); coding-DNA position 878, G replaced by A.
Protein change: p.Gly293Asp; replaces glycine 293 with aspartic acid.
Molecular consequence: missense variant.
Genome position (GRCh38, 1-based): chr17:44,351,405, G>A. VCF-style: chr17-44351405-G-A. GRCh37 (hg19) VCF-style: chr17-42428773-G-A.
Other names: short protein forms G293D.
Identifiers: ClinVar variation 3756487 (VCV003756487.2).

ClinVar aggregate classification (germline): Uncertain significance (1 of 4 stars; one submission).

Conditions:
Neuronal ceroid lipofuscinosis 11. Also called: GRN-Related Neuronal Ceroid-Lipofuscinosis. Identifiers: Orphanet 314629, Orphanet 79262, MedGen C3539123, MONDO:0013866, OMIM 614706.
GRN-related frontotemporal lobar degeneration with Tdp43 inclusions (FTD2). Also called: DEMENTIA, HEREDITARY DYSPHASIC DISINHIBITION; FRONTOTEMPORAL LOBAR DEGENERATION WITH UBIQUITIN-POSITIVE INCLUSIONS; FTLD-TDP, GRN-RELATED; GRN Frontotemporal Dementia; FRONTOTEMPORAL DEMENTIA WITH TDP43 INCLUSIONS, GRN-RELATED. Identifiers: Orphanet 100070, Orphanet 282, MedGen C1843792, MONDO:0011842, OMIM 607485. Disease mechanism: loss of function.

Submission:

Labcorp Genetics (formerly Invitae), Labcorp
Classification: Uncertain significance for Neuronal ceroid lipofuscinosis 11; GRN-related frontotemporal lobar degeneration with Tdp43 inclusions. Last evaluated: 2024-05-28. Review status: criteria provided, single submitter. Criteria: Invitae Variant Classification Sherloc (09022015). Collection method: clinical testing. Allele origin: germline.
Comment: This sequence change replaces glycine, which is neutral and non-polar, with aspartic acid, which is acidic and polar, at codon 293 of the GRN protein (p.Gly293Asp). This variant is not present in population databases (gnomAD no frequency). This variant has not been reported in the literature in individuals affected with GRN-related conditions. Advanced modeling of protein sequence and biophysical properties (such as structural, functional, and spatial information, amino acid conservation, physicochemical variation, residue mobility, and thermodynamic stability) performed at Invitae indicates that this missense variant is not expected to disrupt GRN protein function with a negative predictive value of 80%. In summary, the available evidence is currently insufficient to determine the role of this variant in disease. Therefore, it has been classified as a Variant of Uncertain Significance.